The following is an entry in ClinVar:

NM_032236.8(USP48):c.2385-7dup

Gene: USP48 (ubiquitin specific peptidase 48; minus strand). Cytogenetic location: 1p36.12.
Variant type: Duplication.
Coding change: c.2385-7dup on transcript NM_032236.8 (MANE Select); 7 bases into the intron before coding-DNA position 2385, one base duplicated (T; older notation c.2385-7dupT).
Molecular consequence: intron variant.
Genome position (GRCh38, 1-based): chr1:21,704,399, A duplicated on the plus strand (T on the coding strand, the reverse complement: USP48 is on the minus strand); the first of 10 consecutive A bases (chr1:21,704,399-21,704,408); duplicating any one gives the same sequence. VCF-style (leftmost placement, unchanged base first): chr1-21704398-C-CA. GRCh37 (hg19) VCF-style: chr1-22030891-C-CA.
Other names: c.2184-7dup (NM_001350164.2); c.2379-7dup (NM_001350166.2); c.2382-7dup (NM_001350167.2, NM_001350168.2); c.2385-7dup (NM_001330394.3).
Identifiers: ClinVar variation 3354857 (VCV003354857.1).

ClinVar aggregate classification (germline): Likely benign (0 of 4 stars; one submission).

Conditions:
USP48-related condition.

Submission:

PreventionGenetics, part of Exact Sciences
Classification: Likely benign for USP48-related condition. Last evaluated: 2024-05-29. Review status: no assertion criteria provided. Collection method: clinical testing. Allele origin: germline.
Comment: This variant is classified as likely benign based on ACMG/AMP sequence variant interpretation guidelines (Richards et al. 2015 PMID: 25741868, with internal and published modifications).